The following is an entry in ClinVar:

ClinVar aggregate classification (germline): Uncertain significance (1 of 4 stars; one submission).

Conditions:
Cardiovascular phenotype. Identifiers: MedGen CN230736.

Allele frequency attached by ClinVar (database versions not stated): gnomAD exomes 0.00001.
gnomAD v4.1: 5 of 1,613,898 alleles (0.00031%); highest among the groups gnomAD compares: South Asian, 0.0055%; no homozygotes.

Submission:

Ambry Genetics
Classification: Uncertain significance for Cardiovascular phenotype. Last evaluated: 2023-07-05. Review status: criteria provided, single submitter. Criteria: Ambry Variant Classification Scheme 2023. Collection method: clinical testing. Allele origin: germline.
Comment: The p.N1489D variant (also known as c.4465A>G), located in coding exon 17 of the AKAP9 gene, results from an A to G substitution at nucleotide position 4465. The asparagine at codon 1489 is replaced by aspartic acid, an amino acid with highly similar properties. This amino acid position is conserved. In addition, this alteration is predicted to be tolerated by in silico analysis. Since supporting evidence is limited at this time, the clinical significance of this alteration remains unclear.

NM_005751.5(AKAP9):c.4465A>G (p.Asn1489Asp)

Gene: AKAP9 (A-kinase anchoring protein 9; plus strand). Cytogenetic location: 7q21.2.
Variant type: single nucleotide variant.
Coding change: c.4465A>G on transcript NM_005751.5 (MANE Select); coding-DNA position 4465, A replaced by G.
Protein change: p.Asn1489Asp; replaces asparagine 1489 with aspartic acid.
Molecular consequence: missense variant.
Genome position (GRCh38, 1-based): chr7:92,038,545, A>G. VCF-style: chr7-92038545-A-G. GRCh37 (hg19) VCF-style: chr7-91667859-A-G.
Other names: c.4465A>G, p.Asn1489Asp (NM_147185.3); short protein forms N1489D.
Identifiers: ClinVar variation 2626282 (VCV002626282.2), dbSNP rs1404750488, ClinGen allele CA368128817.
Genomic context (GRCh38, chr7:92,038,545, plus strand): 5'-GAAAATACTGCATCATCAAAGCAAGCACATGCTGTGTGTCAGCAAGAACAACATTATTTT[A>G]ATGAAATGAAATTATCACAGGATCAAATTGGTTTTCAGACTTTTGAGACAGTGGATGTGA-3'
Protein context (NP_005742.4, residues 1479-1499): AVCQQEQHYF[Asn1489Asp]EMKLSQDQIG